The following is an entry in ClinVar:

NM_006017.3(PROM1):c.2374-5dup

Gene: PROM1 (prominin 1; minus strand). Cytogenetic location: 4p15.32.
Variant type: Duplication.
Coding change: c.2374-5dup on transcript NM_006017.3 (MANE Select); 5 bases into the intron before coding-DNA position 2374, one base duplicated (C; older notation c.2374-5dupC).
Molecular consequence: intron variant.
Genome position (GRCh38, 1-based): chr4:15,980,541, G duplicated on the plus strand (C on the coding strand, the reverse complement: PROM1 is on the minus strand); the first of 2 consecutive G bases (chr4:15,980,541-15,980,542); duplicating either gives the same sequence. VCF-style (leftmost placement, unchanged base first): chr4-15980540-A-AG. GRCh37 (hg19) VCF-style: chr4-15982163-A-AG.
Other names: c.2347-5dup (NM_001145848.2, NM_001145852.2, NM_001145847.2 and 4 more transcripts); c.2374-5dup (NM_001145850.2, NM_001145849.2); c.2374-4dupC (NM_006017.2).
Identifiers: ClinVar variation 95333 (VCV000095333.18), dbSNP rs34269395, ClinGen allele CA148439.

ClinVar aggregate classification (germline): Benign. Review status: criteria provided, multiple submitters, no conflicts (2 of 4 stars). 4 submissions from 4 submitters: Benign (3). 1 of the submissions does not count toward it. Last evaluated 2026-02-03.

Submissions (4):

Labcorp Genetics (formerly Invitae), Labcorp
Classification: Benign. Last evaluated: 2026-02-03. Review status: criteria provided, single submitter. Criteria: Invitae Variant Classification Sherloc (09022015). Collection method: clinical testing. Allele origin: germline.

GeneDx
Classification: Benign. Last evaluated: 2018-06-07. Review status: criteria provided, single submitter. Criteria: GeneDx Variant Classification (06012015). Collection method: clinical testing. Allele origin: germline. Affected: yes.
Comment: This variant is considered likely benign or benign based on one or more of the following criteria: it is a conservative change, it occurs at a poorly conserved position in the protein, it is predicted to be benign by multiple in silico algorithms, and/or has population frequency not consistent with disease.

PreventionGenetics, part of Exact Sciences
Classification: Benign. Review status: criteria provided, single submitter. Criteria: ACMG Guidelines, 2015. Collection method: clinical testing. Allele origin: germline.

Eurofins Ntd Llc (ga)
Classification: Benign for AllHighlyPenetrant. Last evaluated: 2013-08-14. Review status: no assertion criteria provided. Collection method: clinical testing. Allele origin: germline. Observed: 7 variant alleles, 6 heterozygotes, 1 homozygote. Not counted in ClinVar's aggregate classification.

Literature cited by the submitters: PubMed 23757202 (cited by Eurofins Ntd Llc (ga)).